The following is an entry in ClinVar:

ClinVar aggregate classification (germline): Likely benign. Review status: criteria provided, multiple submitters, no conflicts (2 of 4 stars). 4 submissions from 4 submitters: Likely benign (4). Last evaluated 2026-01-18.

Conditions:
Cardiovascular phenotype. Identifiers: MedGen CN230736.
TNXB-related disorder. Also called: TNXB-related condition.

Allele frequency attached by ClinVar (database versions not stated): gnomAD exomes 0.00004; TOPMed 0.00004; gnomAD 0.00005; ExAC 0.00008.
gnomAD v4.1: 64 of 1,612,794 alleles (0.004%); highest among the groups gnomAD compares: Admixed American, 0.053%; no homozygotes.

Submissions (4):

Labcorp Genetics (formerly Invitae), Labcorp
Classification: Likely benign. Last evaluated: 2026-01-18. Review status: criteria provided, single submitter. Criteria: Invitae Variant Classification Sherloc (09022015). Collection method: clinical testing. Allele origin: germline.

PreventionGenetics, part of Exact Sciences
Classification: Likely benign for TNXB-related condition. Last evaluated: 2025-08-12. Review status: criteria provided, single submitter. Criteria: ACMG Guidelines, 2015. Collection method: clinical testing. Allele origin: germline.
Comment: This variant is classified as likely benign based on ACMG/AMP sequence variant interpretation guidelines (Richards et al. 2015 PMID: 25741868, with internal and published modifications).

Women's Health and Genetics/Laboratory Corporation of America, LabCorp
Classification: Likely benign. Last evaluated: 2025-01-03. Review status: criteria provided, single submitter. Criteria: LabCorp Variant Classification Summary - May 2015. Collection method: clinical testing. Allele origin: germline.

Ambry Genetics
Classification: Likely benign for Cardiovascular phenotype. Last evaluated: 2023-02-10. Review status: criteria provided, single submitter. Criteria: Ambry Variant Classification Scheme 2023. Collection method: clinical testing. Allele origin: germline.

NM_001365276.2(TNXB):c.5907G>A (p.Pro1969=)

Gene: TNXB (tenascin XB; minus strand). Cytogenetic location: 6p21.33.
Variant type: single nucleotide variant.
Coding change: c.5907G>A on transcript NM_001365276.2 (MANE Select); coding-DNA position 5907, G replaced by A.
Protein change: p.Pro1969=; no amino-acid change (proline 1969 retained).
Molecular consequence: synonymous variant.
Genome position (GRCh38, 1-based): chr6:32,068,703, C>T on the plus strand (G>A on the coding strand, the complement: TNXB is on the minus strand). VCF-style: chr6-32068703-C-T. GRCh37 (hg19) VCF-style: chr6-32036480-C-T.
Other names: c.5907G>A, p.Pro1969= (NM_019105.8).
Identifiers: ClinVar variation 2446945 (VCV002446945.6), dbSNP rs762646150, ClinGen allele CA3734574.